The following is an entry in ClinVar:

ClinVar aggregate classification (germline): Uncertain significance (1 of 4 stars; one submission).

Conditions:
Charcot-Marie-Tooth disease axonal type 2O. Also called: Charcot-Marie-Tooth disease, axonal, type 20; CHARCOT-MARIE-TOOTH NEUROPATHY, AXONAL, TYPE 2O; CHARCOT-MARIE-TOOTH DISEASE, AXONAL, AUTOSOMAL DOMINANT, TYPE 2O; Charcot-Marie-Tooth Neuropathy Type 2O. Identifiers: Orphanet 284232, MedGen C3280220, MONDO:0013644, OMIM 614228.

Allele frequency attached by ClinVar (database versions not stated): gnomAD exomes below 0.00001; gnomAD 0.00001.
gnomAD v4.1: 2 of 1,614,010 alleles (0.00012%); highest among the groups gnomAD compares: African/African-American, 0.0027%; no homozygotes.

Submission:

Labcorp Genetics (formerly Invitae), Labcorp
Classification: Uncertain significance for Charcot-Marie-Tooth disease axonal type 2O. Last evaluated: 2023-10-10. Review status: criteria provided, single submitter. Criteria: Invitae Variant Classification Sherloc (09022015). Collection method: clinical testing. Allele origin: germline.
Comment: This sequence change replaces glutamic acid, which is acidic and polar, with aspartic acid, which is acidic and polar, at codon 2839 of the DYNC1H1 protein (p.Glu2839Asp). This variant is not present in population databases (gnomAD no frequency). This variant has not been reported in the literature in individuals affected with DYNC1H1-related conditions. Advanced modeling of protein sequence and biophysical properties (such as structural, functional, and spatial information, amino acid conservation, physicochemical variation, residue mobility, and thermodynamic stability) performed at Invitae indicates that this missense variant is not expected to disrupt DYNC1H1 protein function. In summary, the available evidence is currently insufficient to determine the role of this variant in disease. Therefore, it has been classified as a Variant of Uncertain Significance.

NM_001376.5(DYNC1H1):c.8517G>C (p.Glu2839Asp)

Gene: DYNC1H1 (dynein cytoplasmic 1 heavy chain 1; plus strand). Cytogenetic location: 14q32.31.
Variant type: single nucleotide variant.
Coding change: c.8517G>C on transcript NM_001376.5 (MANE Select); coding-DNA position 8517, G replaced by C.
Protein change: p.Glu2839Asp; replaces glutamic acid 2839 with aspartic acid.
Molecular consequence: missense variant.
Genome position (GRCh38, 1-based): chr14:102,022,760, G>C. VCF-style: chr14-102022760-G-C. GRCh37 (hg19) VCF-style: chr14-102489097-G-C.
Other names: short protein forms E2839D.
Identifiers: ClinVar variation 2982118 (VCV002982118.3), dbSNP rs1185425190, ClinGen allele CA391007006.